The following is an entry in ClinVar:

ClinVar aggregate classification (germline): Benign/Likely benign. Review status: criteria provided, multiple submitters, no conflicts (2 of 4 stars). 6 submissions from 6 submitters: Benign (3); Likely benign (1). 2 of the submissions do not count toward it. Last evaluated 2025-09-01.

Allele frequency attached by ClinVar (database versions not stated): ExAC 0.00041; gnomAD 0.00165 and 0.00167; ESP Exome Variant Server 0.00231; 1000 Genomes Project 0.00339.
gnomAD v4.1: 387 of 1,608,774 alleles (0.024%); highest among the groups gnomAD compares: African/African-American, 0.47%; 19 homozygotes.

Submissions (6):

CeGaT Center for Human Genetics Tuebingen
Classification: Likely benign. Last evaluated: 2025-09-01. Review status: criteria provided, single submitter. Criteria: CeGaT Center For Human Genetics Tuebingen Variant Classification Criteria Version 2. Collection method: clinical testing. Allele origin: germline. Affected: yes. Observed: 1 variant allele.
Comment: TTN: BP4, BP7, BS2

Molecular Diagnostic Laboratory for Inherited Cardiovascular Disease, Montreal Heart Institute
Classification: Benign. Last evaluated: 2025-04-09. Review status: criteria provided, single submitter. Criteria: ACMG Guidelines, 2015. Collection method: clinical testing. Allele origin: germline. Affected: no.

Eurofins Ntd Llc (ga)
Classification: Benign. Last evaluated: 2017-01-30. Review status: criteria provided, single submitter. Criteria: EGL Classification Definitions 2015. Collection method: clinical testing. Allele origin: germline. Observed: 1 variant allele.

GeneDx
Classification: Benign. Last evaluated: 2015-05-05. Review status: criteria provided, single submitter. Criteria: GeneDx Variant Classification (06012015). Collection method: clinical testing. Allele origin: germline. Affected: yes.
Comment: This variant is considered likely benign or benign based on one or more of the following criteria: it is a conservative change, it occurs at a poorly conserved position in the protein, it is predicted to be benign by multiple in silico algorithms, and/or has population frequency not consistent with disease.

Clinical Genetics DNA and cytogenetics Diagnostics Lab, Erasmus MC, Erasmus Medical Center
Classification: Likely benign. Review status: no assertion criteria provided. Collection method: clinical testing. Allele origin: germline. Affected: yes. Study: VKGL Data-share Consensus. Not counted in ClinVar's aggregate classification.

Clinical Genetics, Academic Medical Center
Classification: Benign. Review status: no assertion criteria provided. Collection method: clinical testing. Allele origin: germline. Affected: yes. Study: VKGL Data-share Consensus. Not counted in ClinVar's aggregate classification.

NM_133379.5(TTN):c.15228C>A (p.Pro5076=)

Gene: TTN (titin; minus strand). Cytogenetic location: 2q31.2.
Variant type: single nucleotide variant.
Coding change: c.15228C>A on transcript NM_133379.5; coding-DNA position 15228, C replaced by A.
Protein change: p.Pro5076=; no amino-acid change (proline 5076 retained).
Molecular consequence: synonymous variant. On other transcripts: intron variant (6).
Genome position (GRCh38, 1-based): chr2:178,747,172, G>T on the plus strand (C>A on the coding strand, the complement: TTN is on the minus strand). VCF-style: chr2-178747172-G-T. GRCh37 (hg19) VCF-style: chr2-179611899-G-T.
Other names: c.10223-5251C>A (NM_003319.4); c.10799-5251C>A (NM_133437.4); c.10598-5251C>A (NM_133432.3); c.10360+5952C>A (NM_133378.4); c.10361-5251C>A (NM_001256850.1); c.11312-5251C>A (NM_001267550.2).
Identifiers: ClinVar variation 378803 (VCV000378803.16), dbSNP rs143135505, ClinGen allele CA2003149.